The following is an entry in ClinVar:

ClinVar aggregate classification (germline): Uncertain significance (1 of 4 stars; one submission).

Conditions:
Inborn genetic diseases. Identifiers: MedGen C0950123, MeSH D030342.

Allele frequency attached by ClinVar (database versions not stated): gnomAD exomes below 0.00001.

Submission:

Ambry Genetics
Classification: Uncertain significance for Inborn genetic diseases. Last evaluated: 2022-03-27. Review status: criteria provided, single submitter. Criteria: Ambry Variant Classification Scheme 2023. Collection method: clinical testing. Allele origin: germline.
Comment: The c.7034-5T>A intronic alteration results from a T to A substitution 5 nucleotides before coding exon 10 of the SON gene. This variant was not reported in population-based cohorts in the Genome Aggregation Database (gnomAD). This nucleotide position is not well conserved in available vertebrate species. Using the BDGP and ESEfinder splice site prediction tools, this alteration is predicted to weaken the efficiency of the native splice acceptor site; however, direct evidence is unavailable. Based on insufficient or conflicting evidence, the clinical significance of this alteration remains unclear.

NM_138927.4(SON):c.7034-5T>A

Gene: SON (SON DNA and RNA binding protein; plus strand). Cytogenetic location: 21q22.11.
Variant type: single nucleotide variant.
Coding change: c.7034-5T>A on transcript NM_138927.4 (MANE Select); 5 bases into the intron before coding-DNA position 7034, T replaced by A.
Molecular consequence: intron variant.
Genome position (GRCh38, 1-based): chr21:33,575,591, T>A. VCF-style: chr21-33575591-T-A. GRCh37 (hg19) VCF-style: chr21-34947897-T-A.
Other names: c.1118-5T>A (NM_001291412.3).
Identifiers: ClinVar variation 985720 (VCV000985720.4), dbSNP rs2086382209, ClinGen allele CA1139666824.
Genomic context (GRCh38, chr21:33,575,591, plus strand): 5'-ACAGAGGGATCTTTGTTTTAAAGTGGTGCTTTGAAATTTATTTAGTGAACAATTTTTTTT[T>A]AAAGGTCTTGTTGCAGTAGGAGAAAGAGCACAAAAGAGGTCTGGGAACTTCTCTGCTGCA-3'